The following is an entry in ClinVar:

NM_002212.4(EIF6):c.228C>T (p.Thr76=)

Gene: EIF6 (eukaryotic translation initiation factor 6; minus strand). Cytogenetic location: 20q11.22.
Variant type: single nucleotide variant.
Coding change: c.228C>T on transcript NM_002212.4 (MANE Select); coding-DNA position 228, C replaced by T.
Protein change: p.Thr76=; no amino-acid change (threonine 76 retained).
Molecular consequence: synonymous variant. On other transcripts: non-coding transcript variant (1), intron variant (1).
Genome position (GRCh38, 1-based): chr20:35,280,795, G>A on the plus strand (C>T on the coding strand, the complement: EIF6 is on the minus strand). VCF-style: chr20-35280795-G-A. GRCh37 (hg19) VCF-style: chr20-33868598-G-A.
Other names: c.228C>T, p.Thr76= (NM_001267810.1, NM_181468.2); c.313-677C>T (NM_181466.3).
Identifiers: ClinVar variation 3777808 (VCV003777808.7).

ClinVar aggregate classification (germline): Likely benign (1 of 4 stars; one submission).

gnomAD v4.1: 1,582 of 1,613,968 alleles (0.098%); highest among the groups gnomAD compares: Non-Finnish European, 0.13%; 3 homozygotes.

Submission:

CeGaT Center for Human Genetics Tuebingen
Classification: Likely benign. Last evaluated: 2025-03-01. Review status: criteria provided, single submitter. Criteria: CeGaT Center For Human Genetics Tuebingen Variant Classification Criteria Version 2. Collection method: clinical testing. Allele origin: germline. Affected: yes. Observed: 1 variant allele.
Comment: EIF6: BP4, BP7